The following is an entry in ClinVar:

ClinVar aggregate classification (germline): Conflicting classifications of pathogenicity. Review status: criteria provided, conflicting classifications (1 of 4 stars). 4 submissions from 4 submitters: Uncertain significance (1); Likely benign (2). 1 of the submissions does not count toward it. Last evaluated 2026-01-21.

Conditions:
Junctional epidermolysis bullosa with pyloric atresia. Also called: Epidermolysis bullosa, junctional, with pyloric atresia and aplasia cutis congenita; Epidermolysis bullosa junctionalis with pyloric atresia; APLASIA CUTIS CONGENITA WITH GASTROINTESTINAL ATRESIA; CARMI SYNDROME; EB-PA-ACC; EPIDERMOLYSIS BULLOSA, JUNCTIONAL 5B, WITH PYLORIC ATRESIA. Identifiers: Orphanet 79403, MedGen C5676875, MONDO:0009183, OMIM 226730.
ITGB4-related disorder. Also called: ITGB4-related condition.

Allele frequency attached by ClinVar (database versions not stated): 1000 Genomes Project 30x 0.00078; TOPMed 0.00091; 1000 Genomes Project 0.00100; ESP Exome Variant Server 0.00100; gnomAD 0.00131 and 0.00136; gnomAD exomes 0.00173 and 0.00201; ExAC 0.00185.
gnomAD v4.1: 2,735 of 1,613,476 alleles (0.17%); highest among the groups gnomAD compares: Non-Finnish European, 0.16%; 10 homozygotes.

Submissions (4):

Labcorp Genetics (formerly Invitae), Labcorp
Classification: Likely benign. Last evaluated: 2026-01-21. Review status: criteria provided, single submitter. Criteria: Invitae Variant Classification Sherloc (09022015). Collection method: clinical testing. Allele origin: germline.

CeGaT Center for Human Genetics Tuebingen
Classification: Likely benign. Last evaluated: 2022-06-01. Review status: criteria provided, single submitter. Criteria: CeGaT Center For Human Genetics Tuebingen Variant Classification Criteria Version 2. Collection method: clinical testing. Allele origin: germline. Affected: yes. Observed: 1 variant allele.
Comment: ITGB4: BS2

Illumina Laboratory Services, Illumina
Classification: Uncertain significance for Junctional epidermolysis bullosa with pyloric atresia. Last evaluated: 2018-01-13. Review status: criteria provided, single submitter. Criteria: ICSL Variant Classification Criteria 13 December 2019. Collection method: clinical testing. Allele origin: germline.

PreventionGenetics, part of Exact Sciences
Classification: Benign for ITGB4-related condition. Last evaluated: 2020-05-07. Review status: no assertion criteria provided. Collection method: clinical testing. Allele origin: germline. Not counted in ClinVar's aggregate classification.
Comment: This variant is classified as benign based on ACMG/AMP sequence variant interpretation guidelines (Richards et al. 2015 PMID: 25741868, with internal and published modifications).

NM_000213.5(ITGB4):c.3598G>A (p.Gly1200Arg)

Gene: ITGB4 (integrin subunit beta 4; plus strand). Cytogenetic location: 17q25.1.
Variant type: single nucleotide variant.
Coding change: c.3598G>A on transcript NM_000213.5 (MANE Select); coding-DNA position 3598, G replaced by A.
Protein change: p.Gly1200Arg; replaces glycine 1200 with arginine.
Molecular consequence: missense variant.
Genome position (GRCh38, 1-based): chr17:75,750,803, G>A. VCF-style: chr17-75750803-G-A. GRCh37 (hg19) VCF-style: chr17-73746884-G-A.
Other names: c.3598G>A, p.Gly1200Arg (NM_001005619.2, NM_001005731.3, NM_001321123.2); short protein forms G1200R.
Identifiers: ClinVar variation 325180 (VCV000325180.39), dbSNP rs75129664, ClinGen allele CA8769876.